The following is an entry in ClinVar:

ClinVar aggregate classification (germline): Uncertain significance. Review status: criteria provided, multiple submitters, no conflicts (2 of 4 stars). 3 submissions from 3 submitters: Uncertain significance (3). Last evaluated 2025-10-24.

Allele frequency attached by ClinVar (database versions not stated): gnomAD exomes below 0.00001; TOPMed below 0.00001.
gnomAD v4.1: 1 of 1,211,672 alleles (0.000083%); highest among the groups gnomAD compares: Non-Finnish European, 0.00011%; no homozygotes.

Submissions (3):

Mayo Clinic Laboratories, Mayo Clinic
Classification: Uncertain significance. Last evaluated: 2025-10-24. Review status: criteria provided, single submitter. Criteria: ACMG Guidelines, 2015. Collection method: clinical testing. Allele origin: germline. Observed: 1 variant allele.
Comment: PP3_moderate, PM2_supporting

GeneDx
Classification: Uncertain significance. Last evaluated: 2024-08-27. Review status: criteria provided, single submitter. Criteria: GeneDx Variant Classification Process June 2021. Collection method: clinical testing. Allele origin: germline.
Comment: Not observed at significant frequency in large population cohorts (gnomAD); In silico analysis supports that this missense variant has a deleterious effect on protein structure/function; Has not been previously published as pathogenic or benign to our knowledge

Blueprint Genetics
Classification: Uncertain significance. Last evaluated: 2021-07-06. Review status: criteria provided, single submitter. Criteria: ACMG Guidelines, 2015. Collection method: clinical testing. Allele origin: germline.

NM_001110556.2(FLNA):c.6791G>A (p.Arg2264Gln)

Gene: FLNA (filamin A; minus strand). Cytogenetic location: Xq28.
Variant type: single nucleotide variant.
Coding change: c.6791G>A on transcript NM_001110556.2 (MANE Select); coding-DNA position 6791, G replaced by A.
Protein change: p.Arg2264Gln; replaces arginine 2264 with glutamine.
Molecular consequence: missense variant.
Genome position (GRCh38, 1-based): chrX:154,352,000, C>T on the plus strand (G>A on the coding strand, the complement: FLNA is on the minus strand). VCF-style: chrX-154352000-C-T. GRCh37 (hg19) VCF-style: chrX-153580368-C-T.
Other names: p.Arg2256Gln; c.6767G>A, p.Arg2256Gln (NM_001456.4); short protein forms R2256Q, R2264Q.
Identifiers: ClinVar variation 2662290 (VCV002662290.3), dbSNP rs2067623489, ClinGen allele CA415186731.